The following is an entry in ClinVar:

NM_001943.5(DSG2):c.2898G>A (p.Arg966=)

Genes: DSG2 (desmoglein 2; plus strand), DSG2-AS1 (DSG2 antisense RNA 1; minus strand). Cytogenetic location: 18q12.1.
Variant type: single nucleotide variant.
Coding change: c.2898G>A on transcript NM_001943.5 (MANE Select); coding-DNA position 2898, G replaced by A.
Protein change: p.Arg966=; no amino-acid change (arginine 966 retained).
Molecular consequence: synonymous variant.
Genome position (GRCh38, 1-based): chr18:31,546,284, G>A. VCF-style: chr18-31546284-G-A. GRCh37 (hg19) VCF-style: chr18-29126247-G-A.
Identifiers: ClinVar variation 630586 (VCV000630586.8), dbSNP rs746543384, ClinGen allele CA297702356.
Genomic context (GRCh38, chr18:31,546,284, plus strand): 5'-GCCACCAACCACTGTGATCCTGGGTCCTAGCCAGCCACAGAGCCTTATTGTGACAGAGAG[G>A]GTGTATGCTCCAGCTTCTACCTTGGTAGATCAGCCTTATGCTAATGAAGGTACAGTTGTG-3'
Protein context (NP_001934.2, residues 956-976): SQPQSLIVTE[Arg966=]VYAPASTLVD

ClinVar aggregate classification (germline): Conflicting classifications of pathogenicity. Review status: criteria provided, conflicting classifications (1 of 4 stars). 4 submissions from 4 submitters: Uncertain significance (1); Likely benign (3). Last evaluated 2025-12-27.

Conditions:
Arrhythmogenic right ventricular dysplasia 10. Also called: Arrhythmogenic Right Ventricular Dysplasia/Cardiomyopathy10; ARRHYTHMOGENIC RIGHT VENTRICULAR DYSPLASIA, FAMILIAL, 10; Arrhythmogenic right ventricular dysplasia/cardiomyopathy, type 10. Identifiers: MedGen C1857777, MONDO:0012434, OMIM 610193.
Arrhythmogenic right ventricular cardiomyopathy (ARVD). Also called: Arrhythmogenic cardiomyopathy; Arrhythmogenic Right Ventricular Cardiomyopathy (ARVC); Cardiomyopathy, ARVC; Arrhythmogenic right ventricular dysplasia. Identifiers: Orphanet 247, MedGen C0349788, MeSH D019571, MONDO:0016587. Disease mechanism: loss of function. Inheritance: Various modes of inheritance.
Cardiomyopathy (CMYO). Also called: Cardiomyopathies. Identifiers: Orphanet 167848, MedGen C0878544, MONDO:0004994, HP:0001638. Inheritance: Various modes of inheritance.

Allele frequency attached by ClinVar (database versions not stated): gnomAD exomes below 0.00001.
gnomAD v4.1: 2 of 1,602,050 alleles (0.00012%); highest among the groups gnomAD compares: Middle Eastern, 0.017%; no homozygotes.

Submissions (4):

Labcorp Genetics (formerly Invitae), Labcorp
Classification: Likely benign for Arrhythmogenic right ventricular dysplasia 10. Last evaluated: 2025-12-27. Review status: criteria provided, single submitter. Criteria: Invitae Variant Classification Sherloc (09022015). Collection method: clinical testing. Allele origin: germline.

All of Us Research Program, National Institutes of Health
Classification: Likely benign for Arrhythmogenic right ventricular cardiomyopathy. Last evaluated: 2023-02-24. Review status: criteria provided, single submitter. Criteria: ACMG Guidelines, 2015. Collection method: clinical testing. Allele origin: germline. Inheritance: Autosomal dominant inheritance. Observed: 1 variant allele, 1 heterozygote.
Comment: This study involves interpretation of variants in research participants for the purpose of population health screening. Participant phenotype was not available at the time of variant classification. Additional details can be found in publication PMID: 35346344, PMCID: PMC8962531

Blueprint Genetics
Classification: Uncertain significance. Last evaluated: 2022-11-11. Review status: criteria provided, single submitter. Criteria: ACMG Guidelines, 2015. Collection method: clinical testing. Allele origin: germline.

Color Diagnostics, LLC DBA Color Health
Classification: Likely benign for Cardiomyopathy. Last evaluated: 2018-10-17. Review status: criteria provided, single submitter. Criteria: ACMG Guidelines, 2015. Collection method: clinical testing. Allele origin: germline.